The following is an entry in ClinVar:

ClinVar aggregate classification (germline): Uncertain significance (1 of 4 stars; one submission).

Submission:

Labcorp Genetics (formerly Invitae), Labcorp
Classification: Uncertain significance. Last evaluated: 2023-02-03. Review status: criteria provided, single submitter. Criteria: Invitae Variant Classification Sherloc (09022015). Collection method: clinical testing. Allele origin: germline.
Comment: In summary, the available evidence is currently insufficient to determine the role of this variant in disease. Therefore, it has been classified as a Variant of Uncertain Significance. Advanced modeling of protein sequence and biophysical properties (such as structural, functional, and spatial information, amino acid conservation, physicochemical variation, residue mobility, and thermodynamic stability) performed at Invitae indicates that this missense variant is not expected to disrupt LZTR1 protein function. This variant has not been reported in the literature in individuals affected with LZTR1-related conditions. This variant is not present in population databases (gnomAD no frequency). This sequence change replaces cysteine, which is neutral and slightly polar, with serine, which is neutral and polar, at codon 60 of the LZTR1 protein (p.Cys60Ser).

NM_006767.4(LZTR1):c.179G>C (p.Cys60Ser)

Gene: LZTR1 (leucine zipper like post translational regulator 1; plus strand). Cytogenetic location: 22q11.21.
Variant type: single nucleotide variant.
Coding change: c.179G>C on transcript NM_006767.4 (MANE Select); coding-DNA position 179, G replaced by C.
Protein change: p.Cys60Ser; replaces cysteine 60 with serine.
Molecular consequence: missense variant.
Genome position (GRCh38, 1-based): chr22:20,982,550, G>C. VCF-style: chr22-20982550-G-C. GRCh37 (hg19) VCF-style: chr22-21336839-G-C.
Other names: short protein forms C60S.
Identifiers: ClinVar variation 2833568 (VCV002833568.3), dbSNP rs1924233925, ClinGen allele CA410778109.